The following is an entry in ClinVar:

NM_015178.3(RHOBTB2):c.1923C>T (p.Asn641=)

Gene: RHOBTB2 (Rho related BTB domain containing 2; plus strand). Cytogenetic location: 8p21.3.
Variant type: single nucleotide variant.
Coding change: c.1923C>T on transcript NM_015178.3 (MANE Select); coding-DNA position 1923, C replaced by T.
Protein change: p.Asn641=; no amino-acid change (asparagine 641 retained).
Molecular consequence: synonymous variant.
Genome position (GRCh38, 1-based): chr8:23,015,700, C>T. VCF-style: chr8-23015700-C-T. GRCh37 (hg19) VCF-style: chr8-22873213-C-T.
Other names: c.1989C>T, p.Asn663= (NM_001160036.2); c.1944C>T, p.Asn648= (NM_001160037.2); c.1923C>T, p.Asn641= (NM_001374791.1).
Identifiers: ClinVar variation 1587196 (VCV001587196.10), dbSNP rs370278896, ClinGen allele CA4672821.

ClinVar aggregate classification (germline): Likely benign. Review status: criteria provided, multiple submitters, no conflicts (2 of 4 stars). 2 submissions from 2 submitters: Likely benign (2). Last evaluated 2026-05-01.

Allele frequency attached by ClinVar (database versions not stated): ESP Exome Variant Server 0.00008; 1000 Genomes Project 30x 0.00016; 1000 Genomes Project 0.00020.
gnomAD v4.1: 16 of 1,614,008 alleles (0.00099%); highest among the groups gnomAD compares: Middle Eastern, 0.017%; no homozygotes.

Submissions (2):

CeGaT Center for Human Genetics Tuebingen
Classification: Likely benign. Last evaluated: 2026-05-01. Review status: criteria provided, single submitter. Criteria: CeGaT Center For Human Genetics Tuebingen Variant Classification Criteria Version 2. Collection method: clinical testing. Allele origin: germline. Affected: yes. Observed: 1 variant allele.
Comment: RHOBTB2: BP4, BP7

Labcorp Genetics (formerly Invitae), Labcorp
Classification: Likely benign. Last evaluated: 2024-04-02. Review status: criteria provided, single submitter. Criteria: Invitae Variant Classification Sherloc (09022015). Collection method: clinical testing. Allele origin: germline.